The following is an entry in ClinVar:

NM_001386298.1(CIC):c.4212T>A (p.Phe1404Leu)

Gene: CIC (capicua transcriptional repressor; plus strand). Cytogenetic location: 19q13.2.
Variant type: single nucleotide variant.
Coding change: c.4212T>A on transcript NM_001386298.1 (MANE Select); coding-DNA position 4212, T replaced by A.
Protein change: p.Phe1404Leu; replaces phenylalanine 1404 with leucine.
Molecular consequence: missense variant.
Genome position (GRCh38, 1-based): chr19:42,290,253, T>A. VCF-style: chr19-42290253-T-A. GRCh37 (hg19) VCF-style: chr19-42794405-T-A.
Other names: c.4212T>A, p.Phe1404Leu (NM_001304815.2, NM_001379480.1, NM_001379482.1 and 6 more transcripts); c.1485T>A, p.Phe495Leu (NM_001379484.1, NM_001379485.1, NM_001439189.1 and 3 more transcripts); short protein forms F1404L, F495L.
Identifiers: ClinVar variation 5037415 (VCV005037415.1).

ClinVar aggregate classification (germline): Uncertain significance (1 of 4 stars; one submission).

gnomAD v4.1: 1 of 1,614,036 alleles (0.000062%); highest among the groups gnomAD compares: Non-Finnish European, 0.000085%; no homozygotes.

Submission:

GeneDx
Classification: Uncertain significance. Last evaluated: 2026-04-23. Review status: criteria provided, single submitter. Criteria: GeneDx Variant Classification Process June 2021. Collection method: clinical testing. Allele origin: germline.
Comment: Not observed at significant frequency in large population cohorts (gnomAD); In silico analysis supports that this missense variant has a deleterious effect on protein structure/function; Has not been previously published as pathogenic or benign to our knowledge